The following is an entry in ClinVar:

ClinVar aggregate classification (germline): Likely benign. Review status: criteria provided, multiple submitters, no conflicts (2 of 4 stars). 3 submissions from 3 submitters: Likely benign (3). Last evaluated 2026-02-01.

Conditions:
Autosomal recessive limb-girdle muscular dystrophy type 2J (LGMDR10). Also called: Limb-girdle muscular dystrophy, type 2J; MUSCULAR DYSTROPHY, LIMB-GIRDLE, AUTOSOMAL RECESSIVE 10. Identifiers: Orphanet 140922, MedGen C1837342, MONDO:0012127, OMIM 608807.
Dilated cardiomyopathy 1G (CMD1G). Identifiers: Orphanet 154, MedGen C1858763, MONDO:0011400, OMIM 604145.
Cardiovascular phenotype. Identifiers: MedGen CN230736.

Allele frequency attached by ClinVar (database versions not stated): gnomAD 0.00001; TOPMed 0.00001; gnomAD exomes 0.00002 and 0.00004; ExAC 0.00003.
gnomAD v4.1: 13 of 1,613,460 alleles (0.00081%); highest among the groups gnomAD compares: Admixed American, 0.022%; no homozygotes.

Submissions (3):

CeGaT Center for Human Genetics Tuebingen
Classification: Likely benign. Last evaluated: 2026-02-01. Review status: criteria provided, single submitter. Criteria: CeGaT Center For Human Genetics Tuebingen Variant Classification Criteria Version 2. Collection method: clinical testing. Allele origin: germline. Affected: yes. Observed: 1 variant allele.
Comment: TTN: BP4, BP7

Labcorp Genetics (formerly Invitae), Labcorp
Classification: Likely benign for Dilated cardiomyopathy 1G; Autosomal recessive limb-girdle muscular dystrophy type 2J. Last evaluated: 2025-12-14. Review status: criteria provided, single submitter. Criteria: Invitae Variant Classification Sherloc (09022015). Collection method: clinical testing. Allele origin: germline.

Ambry Genetics
Classification: Likely benign for Cardiovascular phenotype. Last evaluated: 2019-06-06. Review status: criteria provided, single submitter. Criteria: Ambry Variant Classification Scheme 2023. Collection method: clinical testing. Allele origin: germline.

NM_001267550.2(TTN):c.80817T>C (p.Ile26939=)

Genes: TTN (titin; minus strand), TTN-AS1 (TTN antisense RNA 1; plus strand). Cytogenetic location: 2q31.2.
Variant type: single nucleotide variant.
Coding change: c.80817T>C on transcript NM_001267550.2 (MANE Select); coding-DNA position 80817, T replaced by C.
Protein change: p.Ile26939=; no amino-acid change (isoleucine 26939 retained).
Molecular consequence: synonymous variant.
Genome position (GRCh38, 1-based): chr2:178,565,315, A>G on the plus strand (T>C on the coding strand, the complement: TTN is on the minus strand). VCF-style: chr2-178565315-A-G. GRCh37 (hg19) VCF-style: chr2-179430042-A-G.
Other names: c.75894T>C, p.Ile25298= (NM_001256850.1); c.53622T>C, p.Ile17874= (NM_003319.4); c.73113T>C, p.Ile24371= (NM_133378.4); c.53997T>C, p.Ile17999= (NM_133432.3); c.54198T>C, p.Ile18066= (NM_133437.4).
Identifiers: ClinVar variation 1097403 (VCV001097403.15), dbSNP rs758285371, ClinGen allele CA1989301.